The following is an entry in ClinVar:

NM_000352.6(ABCC8):c.4198G>A (p.Gly1400Arg)

Gene: ABCC8 (ATP binding cassette subfamily C member 8; minus strand). Cytogenetic location: 11p15.1.
Variant type: single nucleotide variant.
Coding change: c.4198G>A on transcript NM_000352.6 (MANE Select); coding-DNA position 4198, G replaced by A.
Protein change: p.Gly1400Arg; replaces glycine 1400 with arginine.
Molecular consequence: missense variant. On other transcripts: non-coding transcript variant (1).
Genome position (GRCh38, 1-based): chr11:17,395,852, C>T on the plus strand (G>A on the coding strand, the complement: ABCC8 is on the minus strand). VCF-style: chr11-17395852-C-T. GRCh37 (hg19) VCF-style: chr11-17417399-C-T.
Other names: NM_000352.6(ABCC8):c.4198G>A; c.4201G>A, p.Gly1401Arg (NM_001287174.3); c.4264G>A, p.Gly1422Arg (NM_001351295.2); c.4198G>A, p.Gly1400Arg (NM_001351296.2); c.4195G>A, p.Gly1399Arg (NM_001351297.2); short protein forms G1400R, G1401R, G1399R, G1422R.
Identifiers: ClinVar variation 35616 (VCV000035616.75), dbSNP rs137852676, ClinGen allele CA260102.

ClinVar aggregate classification (germline): Pathogenic/Likely pathogenic. Review status: criteria provided, multiple submitters, no conflicts (2 of 4 stars). 12 submissions from 12 submitters: Pathogenic (5); Likely pathogenic (6). 1 of the submissions does not count toward it. Last evaluated 2025-07-25.

Conditions:
Diabetes mellitus, transient neonatal, 2 (TNDM2). Identifiers: Orphanet 99886, MedGen C1835887, MONDO:0012480, OMIM 610374. Disease mechanism: loss of function.
Leucine-induced hypoglycemia (LIH). Also called: LEUCINE-SENSITIVE HYPOGLYCEMIA OF INFANCY. Identifiers: MedGen C0271714, MONDO:0009415, OMIM 240800.
Type 2 diabetes mellitus. Also called: Type II diabetes mellitus. Identifiers: MedGen C0011860, MeSH D003924, MONDO:0005148, OMIM 125853, HP:0005978.
Diabetes mellitus, permanent neonatal 3. Also called: ABCC8-Related Permanent Neonatal Diabetes Mellitus. Identifiers: MedGen C5394303, MONDO:0030088, OMIM 618857.
Hyperinsulinemic hypoglycemia, familial, 1 (HHF1). Also called: Persistent hyperinsulinemic hypoglycemia of infancy; HYPERINSULINISM, FAMILIAL, WITH PANCREATIC NESIDIOBLASTOSIS; HYPOGLYCEMIA, HYPERINSULINEMIC, OF INFANCY; NESIDIOBLASTOSIS OF PANCREAS; Persistent Hyperinsulinemia Hypoglycemia of Infancy. Identifiers: Orphanet 276575, Orphanet 276598, MedGen C2931832, MONDO:0009734, OMIM 256450.
Hereditary hyperinsulinism.
ABCC8-related disorder.
Familial hyperinsulinism. Also called: Congenital hyperinsulinism. Identifiers: Orphanet 276525, MedGen C3888018, MONDO:0017182. Disease mechanism: loss of function.

Allele frequency attached by ClinVar (database versions not stated): ExAC below 0.00001; gnomAD exomes 0.00002 and 0.00006; TOPMed 0.00002; gnomAD 0.00003 and 0.00004.
gnomAD v4.1: 95 of 1,577,772 alleles (0.006%); highest among the groups gnomAD compares: Non-Finnish European, 0.0074%; no homozygotes.

Submissions (12):

Natera, Inc.
Classification: Likely pathogenic for Hereditary hyperinsulinism. Last evaluated: 2025-07-25. Review status: criteria provided, single submitter. Criteria: Natera Variant Classification Schema (03/2026). Collection method: clinical testing. Allele origin: germline.
Comment: The c.4198G>A variant in ABCC8 is a missense variant predicted to cause substitution of glycine to arginine at amino acid 1400. This variant is rare in the general population with a frequency below the threshold expected for the associated phenotype(s). This variant has been observed in one or more individuals affected with the associated recessive disease, as either homozygous or compound heterozygous with a second variant (PMID: 19475716, 16357843, 31464105). Additionally, this variant has been observed to segregate in affected family members (PMID: 19475716). Functional studies show that this variant may disrupt protein function (PMID: 31464105, 22802590). Computational prediction algorithms indicate this variant is likely to affect gene or protein function. Given the available evidence, this variant is classified as Likely Pathogenic.

Labcorp Genetics (formerly Invitae), Labcorp
Classification: Pathogenic. Last evaluated: 2025-07-14. Review status: criteria provided, single submitter. Criteria: Invitae Variant Classification Sherloc (09022015). Collection method: clinical testing. Allele origin: germline.
Comment: This sequence change replaces glycine, which is neutral and non-polar, with arginine, which is basic and polar, at codon 1400 of the ABCC8 protein (p.Gly1400Arg). This variant also falls at the last nucleotide of exon 34, which is part of the consensus splice site for this exon. This variant is present in population databases (rs137852676, gnomAD 0.001%). This missense change has been observed in individual(s) with autosomal recessive neonatal diabetes and congenital hyperinsulinism (PMID: 17668386, 19475716). In at least one individual the data is consistent with being in trans (on the opposite chromosome) from a pathogenic variant. It has also been observed to segregate with disease in related individuals. This variant is also known as Gly1401Arg. ClinVar contains an entry for this variant (Variation ID: 35616). An algorithm developed to predict the effect of missense changes on protein structure and function (PolyPhen-2) suggests that this variant is likely to be disruptive. Experimental studies have shown that this missense change affects ABCC8 function (PMID: 22802590, 31464105). Variants that disrupt the consensus splice site are a relatively common cause of aberrant splicing (PMID: 17576681, 9536098). Algorithms developed to predict the effect of sequence changes on RNA splicing suggest that this variant may disrupt the consensus splice site. For these reasons, this variant has been classified as Pathogenic.

PreventionGenetics, part of Exact Sciences
Classification: Pathogenic for ABCC8-related condition. Last evaluated: 2025-05-02. Review status: criteria provided, single submitter. Criteria: ACMG Guidelines, 2015. Collection method: clinical testing. Allele origin: germline.
Comment: The ABCC8 c.4198G>A variant is predicted to result in the amino acid substitution p.Gly1400Arg. This variant, also described as p.Gly1401Arg, has been reported in the compound heterozygous state in multiple individuals with hyperinsulinism (see for example: Rafiq et al. 2007. PubMed ID: 18025408; Sandal et al. 2009. PubMed ID: 19475716; Ellard et al. 2007. PubMed ID: 17668386). An alternate missense change at the same amino acid position (p.Gly1400Trp) has been reported in an individual with hyperinsulinism (Table S4. described as p.Gly1401Trp, De Franco. 2020. PubMed ID: 32027066). This variant is reported in 0.0041% of alleles in individuals of European (Non-Finnish) descent in gnomAD. This variant is interpreted as pathogenic.

Fulgent Genetics
Classification: Pathogenic for Type 2 diabetes mellitus; Leucine-induced hypoglycemia; Hyperinsulinemic hypoglycemia, familial, 1; Diabetes mellitus, transient neonatal, 2; Diabetes mellitus, permanent neonatal 3. Last evaluated: 2024-05-12. Review status: criteria provided, single submitter. Criteria: ACMG Guidelines, 2015. Collection method: clinical testing. Allele origin: germline.

Baylor Genetics
Classification: Likely pathogenic for Type 2 diabetes mellitus. Last evaluated: 2024-01-26. Review status: criteria provided, single submitter. Criteria: ACMG Guidelines, 2015. Collection method: clinical testing. Allele origin: unknown.

Broad Center for Mendelian Genomics, Broad Institute of MIT and Harvard
Classification: Likely pathogenic for Hyperinsulinemic hypoglycemia, familial, 1. Last evaluated: 2023-08-16. Review status: criteria provided, single submitter. Criteria: ACMG Guidelines, 2015. Collection method: curation. Allele origin: germline. Inheritance: Autosomal recessive inheritance.
Comment: The p.Gly1400Arg variant in ABCC8 has been reported in at least 6 individuals with hyperinsulinemic hypoglycemia (PMID: 16357843, 17378627, 19475716, 23275527, 30114684, 31464105), and has been identified in 0.004% (4/98246) of European (non-Finnish) chromosomes by the Genome Aggregation Database (gnomAD; dbSNP rs137852676). Although this variant has been seen in the general population in a heterozygous state, its frequency is low enough to be consistent with a recessive carrier frequency. Of the 6 affected individuals, at least 2 were compound heterozygotes that carried a reported pathogenic variant in trans, which increases the likelihood that the p.Gly1400Arg variant is pathogenic (Variation ID: 553929; PMID: 16357843, 19475716). In vitro functional studies provide some evidence that the p.Gly1400Arg variant may slightly impact protein function (PMID: 31464105, 22802590). However, these types of assays may not accurately represent biological function. Computational prediction tools and conservation analyses suggest that this variant may impact the protein, though this information is not predictive enough to determine pathogenicity. In summary, although additional studies are required to fully establish its clinical significance, this variant is likely pathogenic for autosomal recessive hyperinsulinemic hypoglycemia. ACMG/AMP Criteria applied: PM3_strong, PP3, PM2_supporting, PS3_supporting (Richards 2015).

Revvity Omics, Revvity
Classification: Likely pathogenic. Last evaluated: 2022-06-07. Review status: criteria provided, single submitter. Criteria: ACMG Guidelines, 2015. Collection method: clinical testing. Allele origin: germline.

Women's Health and Genetics/Laboratory Corporation of America, LabCorp
Classification: Likely pathogenic for Familial hyperinsulinism. Last evaluated: 2022-05-06. Review status: criteria provided, single submitter. Criteria: LabCorp Variant Classification Summary - May 2015. Collection method: clinical testing. Allele origin: germline.
Comment: Variant summary: ABCC8 c.4198G>A (p.Gly1400Arg) results in a non-conservative amino acid change located in the ABC transporter-like, ATP-binding domain (IPR003439) of the encoded protein sequence. Five of five in-silico tools predict a damaging effect of the variant on protein function. The variant allele was found at a frequency of 1.5e-05 in 195184 control chromosomes. c.4198G>A has been reported in the literature as a heterozygous and compound heterozygous genotype in individuals affected with focal and diffuse forms of Congenital Hyperinsulinism (example, Stanley_2004, Suchi_2006, Greer_2007, Ellard_2007, Rafiq_2008, Sandal_2009, Dastamani_2019). These data indicate that the variant is likely to be associated with disease. To our knowledge, no experimental evidence demonstrating an impact on protein function has been reported. Four clinical diagnostic laboratories have submitted clinical-significance assessments for this variant to ClinVar after 2014 without evidence for independent evaluation. All laboratories classified the variant as pathogenic/likely pathogenic. Based on the evidence outlined above, the variant was classified as likely pathogenic.

Myriad Genetics, Inc.
Classification: Likely pathogenic for Hyperinsulinemic hypoglycemia, familial, 1. Last evaluated: 2021-10-20. Review status: criteria provided, single submitter. Criteria: Myriad Women's Health Autosomal Recessive and X-Linked Classification Criteria (2021). Collection method: clinical testing. Allele origin: unknown.
Comment: NM_000352.3(ABCC8):c.4198G>A(G1400R) is a missense variant classified as likely pathogenic in the context of ABCC8-related hyperinsulinism. G1400R has been observed in cases with relevant disease (PMID: 31464105, 23275527, 17378627, 19475716, 17919176, 30114684). Functional assessments of this variant are available in the literature (PMID: 22802590, 31464105). G1400R has been observed in population frequency databases (gnomAD: NFE 0%). In summary, NM_000352.3(ABCC8):c.4198G>A(G1400R) is a missense variant that has been observed more frequently in cases with the relevant disease than in healthy populations. Please note: this variant was assessed in the context of healthy population screening.

Blueprint Genetics
Classification: Pathogenic for ABCC8-related disorders. Last evaluated: 2019-04-17. Review status: criteria provided, single submitter. Criteria: ACMG Guidelines, 2015. Collection method: clinical testing. Allele origin: germline. Affected: yes. Observed: 1 variant allele.

Genetic Services Laboratory, University of Chicago
Classification: Pathogenic. Last evaluated: 2018-07-27. Review status: criteria provided, single submitter. Criteria: ACMG Guidelines, 2015. Collection method: clinical testing. Allele origin: germline. Affected: yes.

OMIM
Classification: Pathogenic for DIABETES MELLITUS, PERMANENT NEONATAL, 3. Last evaluated: 2007-08-01. Review status: no assertion criteria provided. Collection method: literature only. Allele origin: germline. Not counted in ClinVar's aggregate classification.

Literature cited by the submitters: PubMed 19475716 (cited by 4 submitters); PubMed 16357843 (cited by Natera, Inc. and Women's Health and Genetics/Laboratory Corporation of America, LabCorp); PubMed 31464105 (cited by 4 submitters); PubMed 22802590 (cited by 4 submitters); PubMed 17668386 (cited by 3 submitters); PubMed 17576681 (cited by Labcorp Genetics (formerly Invitae), Labcorp); PubMed 9536098 (cited by Labcorp Genetics (formerly Invitae), Labcorp); PubMed 14715863 (cited by Women's Health and Genetics/Laboratory Corporation of America, LabCorp); PubMed 17378627 (cited by Women's Health and Genetics/Laboratory Corporation of America, LabCorp and Myriad Genetics, Inc.); PubMed 18025408 (cited by Women's Health and Genetics/Laboratory Corporation of America, LabCorp); PubMed 18436707 (cited by Women's Health and Genetics/Laboratory Corporation of America, LabCorp); PubMed 30114684 (cited by Women's Health and Genetics/Laboratory Corporation of America, LabCorp and Myriad Genetics, Inc.); PubMed 23275527 (cited by Myriad Genetics, Inc.); PubMed 17919176 (cited by Myriad Genetics, Inc.).